The following is an entry in ClinVar:

NM_213649.2(SFXN4):c.649C>T (p.Arg217Ter)

Gene: SFXN4 (sideroflexin 4; minus strand). Cytogenetic location: 10q26.11.
Variant type: single nucleotide variant.
Coding change: c.649C>T on transcript NM_213649.2 (MANE Select); coding-DNA position 649, C replaced by T.
Protein change: p.Arg217Ter; replaces arginine 217 with a stop codon.
Molecular consequence: nonsense. On other transcripts: non-coding transcript variant (1).
Genome position (GRCh38, 1-based): chr10:119,155,145, G>A on the plus strand (C>T on the coding strand, the complement: SFXN4 is on the minus strand). VCF-style: chr10-119155145-G-A. GRCh37 (hg19) VCF-style: chr10-120914657-G-A.
Other names: short protein forms R217*.
Identifiers: ClinVar variation 985738 (VCV000985738.4), dbSNP rs756173225, ClinGen allele CA5714440.
Genomic context (GRCh38, chr10:119,155,145, plus strand): 5'-GACCCAGGACATTGCCTTCCTTGTCCATGACCGCAATCCCCTTAATGGATTCAAGACTTC[G>A]GGACATGTAGACATTCATTCCACTGGCTTGCACTGTAGATGTAAAGAAGTAAAGAACACC-3'

ClinVar aggregate classification (germline): Pathogenic/Likely pathogenic. Review status: criteria provided, multiple submitters, no conflicts (2 of 4 stars). 2 submissions from 2 submitters: Pathogenic (1); Likely pathogenic (1). Last evaluated 2020-01-09.

Conditions:
Inborn genetic diseases. Identifiers: MedGen C0950123, MeSH D030342.
Growth and developmental delay-hypotonia-vision impairment-lactic acidosis syndrome. Also called: Combined oxidative phosphorylation deficiency 18. Identifiers: Orphanet 391348, MedGen C3810001, MONDO:0014261, OMIM 615578.

Allele frequency attached by ClinVar (database versions not stated): gnomAD 0.00001; TOPMed 0.00001; gnomAD exomes 0.00002 and 0.00005; ExAC 0.00006.
gnomAD v4.1: 36 of 1,613,908 alleles (0.0022%); highest among the groups gnomAD compares: South Asian, 0.013%; no homozygotes.

Submissions (2):

Baylor Genetics
Classification: Likely pathogenic for Growth and developmental delay-hypotonia-vision impairment-lactic acidosis syndrome. Last evaluated: 2020-01-09. Review status: criteria provided, single submitter. Criteria: ACMG Guidelines, 2015. Collection method: clinical testing. Allele origin: unknown. Affected: yes.
Comment: This variant was determined to be likely pathogenic according to ACMG Guidelines, 2015 [PMID:25741868].

Ambry Genetics
Classification: Pathogenic for Inborn genetic diseases. Last evaluated: 2018-11-26. Review status: criteria provided, single submitter. Criteria: Ambry exome assertion method (8-5-2015). Collection method: clinical testing. Allele origin: germline. Affected: yes. Observed: 1 variant allele.